The following is an entry in ClinVar:

NM_000794.5(DRD1):c.-48=

Gene: DRD1 (dopamine receptor D1; minus strand). Cytogenetic location: 5q35.2.
Variant type: single nucleotide variant.
Coding change: c.-48= on transcript NM_000794.5 (MANE Select); 48 bases upstream of the start codon, no change from the reference sequence.
Molecular consequence: no sequence alteration.
Genome position: GRCh38 VCF-style: chr5-175443147-C-C. GRCh37 (hg19) VCF-style: chr5-174870150-C-C.
Identifiers: ClinVar variation 515932 (VCV000515932.1), dbSNP rs4532.

ClinVar aggregate classification (germline): Benign (1 of 4 stars; one submission).

Allele frequency attached by ClinVar (database versions not stated): 1000 Genomes Project 30x 0.24344; 1000 Genomes Project 0.24461; TOPMed 0.26435; gnomAD 0.28025 and 0.28401; ESP Exome Variant Server 0.28801; ExAC 0.31993; gnomAD exomes 0.32007 and 0.36521.

Submission:

GeneDx
Classification: Benign. Last evaluated: 2018-02-27. Review status: criteria provided, single submitter. Criteria: GeneDx Variant Classification (06012015). Collection method: clinical testing. Allele origin: germline. Affected: yes.
Comment: This variant is considered likely benign or benign based on one or more of the following criteria: it is a conservative change, it occurs at a poorly conserved position in the protein, it is predicted to be benign by multiple in silico algorithms, and/or has population frequency not consistent with disease.